The following is an entry in ClinVar:

ClinVar aggregate classification (germline): Uncertain significance (1 of 4 stars; one submission).

Allele frequency attached by ClinVar (database versions not stated): gnomAD exomes below 0.00001.
gnomAD v4.1: 1 of 1,612,402 alleles (0.000062%); highest among the groups gnomAD compares: Non-Finnish European, 0.000085%; no homozygotes.

Submission:

CeGaT Center for Human Genetics Tuebingen
Classification: Uncertain significance. Last evaluated: 2023-08-01. Review status: criteria provided, single submitter. Criteria: CeGaT Center For Human Genetics Tuebingen Variant Classification Criteria Version 2. Collection method: clinical testing. Allele origin: germline. Affected: yes. Observed: 1 variant allele.
Comment: FLT4: PM2, BP4

NM_182925.5(FLT4):c.3002C>T (p.Ala1001Val)

Gene: FLT4 (fms related receptor tyrosine kinase 4; minus strand). Cytogenetic location: 5q35.3.
Variant type: single nucleotide variant.
Coding change: c.3002C>T on transcript NM_182925.5 (MANE Select); coding-DNA position 3002, C replaced by T.
Protein change: p.Ala1001Val; replaces alanine 1001 with valine.
Molecular consequence: missense variant.
Genome position (GRCh38, 1-based): chr5:180,616,994, G>A on the plus strand (C>T on the coding strand, the complement: FLT4 is on the minus strand). VCF-style: chr5-180616994-G-A. GRCh37 (hg19) VCF-style: chr5-180043994-G-A.
Other names: c.3002C>T, p.Ala1001Val (NM_001354989.2, NM_002020.5); short protein forms A1001V.
Identifiers: ClinVar variation 2656155 (VCV002656155.24), dbSNP rs2127803587, ClinGen allele CA362500861.